The following is an entry in ClinVar:

ClinVar aggregate classification (germline): Uncertain significance (1 of 4 stars; one submission).

Submission:

Labcorp Genetics (formerly Invitae), Labcorp
Classification: Uncertain significance. Last evaluated: 2025-04-22. Review status: criteria provided, single submitter. Criteria: Invitae Variant Classification Sherloc (09022015). Collection method: clinical testing. Allele origin: germline.
Comment: This sequence change replaces threonine, which is neutral and polar, with asparagine, which is neutral and polar, at codon 717 of the NNT protein (p.Thr717Asn). This variant is not present in population databases (gnomAD no frequency). This variant has not been reported in the literature in individuals affected with NNT-related conditions. An algorithm developed to predict the effect of missense changes on protein structure and function (PolyPhen-2) suggests that this variant is likely to be disruptive. In summary, the available evidence is currently insufficient to determine the role of this variant in disease. Therefore, it has been classified as a Variant of Uncertain Significance.

NM_182977.3(NNT):c.2150C>A (p.Thr717Asn)

Gene: NNT (nicotinamide nucleotide transhydrogenase; plus strand). Cytogenetic location: 5p12.
Variant type: single nucleotide variant.
Coding change: c.2150C>A on transcript NM_182977.3 (MANE Select); coding-DNA position 2150, C replaced by A.
Protein change: p.Thr717Asn; replaces threonine 717 with asparagine.
Molecular consequence: missense variant.
Genome position (GRCh38, 1-based): chr5:43,655,930, C>A. VCF-style: chr5-43655930-C-A. GRCh37 (hg19) VCF-style: chr5-43656032-C-A.
Other names: c.1757C>A, p.Thr586Asn (NM_001331026.2); c.2150C>A, p.Thr717Asn (NM_012343.4); short protein forms T717N, T586N.
Identifiers: ClinVar variation 4711896 (VCV004711896.1).